The following is an entry in ClinVar:

NM_001145252.3(CFP):c.640C>G (p.His214Asp)

Gene: CFP (complement factor properdin; minus strand). Cytogenetic location: Xp11.23.
Variant type: single nucleotide variant.
Coding change: c.640C>G on transcript NM_001145252.3 (MANE Select); coding-DNA position 640, C replaced by G.
Protein change: p.His214Asp; replaces histidine 214 with aspartic acid.
Molecular consequence: missense variant.
Genome position (GRCh38, 1-based): chrX:47,627,267, G>C on the plus strand (C>G on the coding strand, the complement: CFP is on the minus strand). VCF-style: chrX-47627267-G-C. GRCh37 (hg19) VCF-style: chrX-47486666-G-C.
Other names: c.640C>G, p.His214Asp (NM_002621.2); short protein forms H214D.
Identifiers: ClinVar variation 1365431 (VCV001365431.6), dbSNP rs2147936992, ClinGen allele CA412838284.

ClinVar aggregate classification (germline): Uncertain significance (1 of 4 stars; one submission).

Submission:

Labcorp Genetics (formerly Invitae), Labcorp
Classification: Uncertain significance. Last evaluated: 2022-07-05. Review status: criteria provided, single submitter. Criteria: Invitae Variant Classification Sherloc (09022015). Collection method: clinical testing. Allele origin: germline.
Comment: This variant has not been reported in the literature in individuals affected with CFP-related conditions. In summary, the available evidence is currently insufficient to determine the role of this variant in disease. Therefore, it has been classified as a Variant of Uncertain Significance. Algorithms developed to predict the effect of missense changes on protein structure and function (SIFT, PolyPhen-2, Align-GVGD) all suggest that this variant is likely to be tolerated. ClinVar contains an entry for this variant (Variation ID: 1365431). This variant is not present in population databases (gnomAD no frequency). This sequence change replaces histidine, which is basic and polar, with aspartic acid, which is acidic and polar, at codon 214 of the CFP protein (p.His214Asp).